The following is an entry in ClinVar:

ClinVar aggregate classification (germline): Pathogenic (1 of 4 stars; one submission).

Conditions:
Bethlem myopathy 1A. Also called: MYOPATHY, BENIGN CONGENITAL, WITH CONTRACTURES; Bethlem Muscular Dystrophy; Bethlem myopathy 1. Identifiers: Orphanet 610, MedGen CN029274, MONDO:0024530, OMIM 158810.

Submission:

Labcorp Genetics (formerly Invitae), Labcorp
Classification: Pathogenic for Bethlem myopathy 1A. Last evaluated: 2022-08-15. Review status: criteria provided, single submitter. Criteria: Invitae Variant Classification Sherloc (09022015). Collection method: clinical testing. Allele origin: germline.
Comment: For these reasons, this variant has been classified as Pathogenic. ClinVar contains an entry for this variant (Variation ID: 1072049). This variant has not been reported in the literature in individuals affected with COL6A3-related conditions. This variant is not present in population databases (gnomAD no frequency). This sequence change creates a premature translational stop signal (p.Gly2371Alafs*33) in the COL6A3 gene. It is expected to result in an absent or disrupted protein product. Loss-of-function variants in COL6A3 are known to be pathogenic (PMID: 26004199).

Literature cited by the submitters: PubMed 26004199.

NM_004369.4(COL6A3):c.7112del (p.Gly2371fs)

Gene: COL6A3 (collagen type VI alpha 3 chain; minus strand). Cytogenetic location: 2q37.3.
Variant type: Deletion.
Coding change: c.7112del on transcript NM_004369.4 (MANE Select); coding-DNA position 7112, one base deleted (G; older notation c.7112delG).
Protein change: p.Gly2371fs; shifts the reading frame from glycine 2371.
Molecular consequence: frameshift variant.
Genome position (GRCh38, 1-based): chr2:237,345,194, C deleted on the plus strand (G on the coding strand, the reverse complement: COL6A3 is on the minus strand); the first of 4 consecutive C bases (chr2:237,345,194-237,345,197); deleting any one gives the same sequence. VCF-style (leftmost placement, unchanged base first): chr2-237345193-GC-G. GRCh37 (hg19) VCF-style: chr2-238253836-GC-G.
Other names: c.5291del, p.Gly1764fs (NM_057166.5); c.6494del, p.Gly2165fs (NM_057167.4); short protein forms G1764fs, G2165fs, G2371fs.
Identifiers: ClinVar variation 1072049 (VCV001072049.7), dbSNP rs1323862623, ClinGen allele CA766630864.